The following is an entry in ClinVar:

ClinVar aggregate classification (germline): Uncertain significance (1 of 4 stars; one submission).

Conditions:
Spermatogenic failure 18. Identifiers: MedGen C4539783, MONDO:0054615, OMIM 617576.
Ciliary dyskinesia, primary, 37 (CILD37). Also called: CILIARY DYSKINESIA, PRIMARY, 37, WITH OR WITHOUT SITUS INVERSUS. Identifiers: MedGen C4539798, MONDO:0033204, OMIM 617577.

gnomAD v4.1: 53 of 1,613,922 alleles (0.0033%); highest among the groups gnomAD compares: Non-Finnish European, 0.0028%; no homozygotes.

Submission:

Labcorp Genetics (formerly Invitae), Labcorp
Classification: Uncertain significance for Ciliary dyskinesia, primary, 37; Spermatogenic failure 18. Last evaluated: 2025-01-16. Review status: criteria provided, single submitter. Criteria: Invitae Variant Classification Sherloc (09022015). Collection method: clinical testing. Allele origin: germline.
Comment: This sequence change replaces arginine, which is basic and polar, with cysteine, which is neutral and slightly polar, at codon 3515 of the DNAH1 protein (p.Arg3515Cys). This variant is present in population databases (rs375359194, gnomAD 0.08%). This variant has not been reported in the literature in individuals affected with DNAH1-related conditions. Invitae Evidence Modeling of protein sequence and biophysical properties (such as structural, functional, and spatial information, amino acid conservation, physicochemical variation, residue mobility, and thermodynamic stability) indicates that this missense variant is expected to disrupt DNAH1 protein function with a positive predictive value of 80%. In summary, the available evidence is currently insufficient to determine the role of this variant in disease. Therefore, it has been classified as a Variant of Uncertain Significance.

NM_015512.5(DNAH1):c.10543C>T (p.Arg3515Cys)

Gene: DNAH1 (dynein axonemal heavy chain 1; plus strand). Cytogenetic location: 3p21.1.
Variant type: single nucleotide variant.
Coding change: c.10543C>T on transcript NM_015512.5 (MANE Select); coding-DNA position 10543, C replaced by T.
Protein change: p.Arg3515Cys; replaces arginine 3515 with cysteine.
Molecular consequence: missense variant.
Genome position (GRCh38, 1-based): chr3:52,393,402, C>T. VCF-style: chr3-52393402-C-T. GRCh37 (hg19) VCF-style: chr3-52427418-C-T.
Other names: short protein forms R3515C.
Identifiers: ClinVar variation 3756688 (VCV003756688.2).